The following is an entry in ClinVar:

ClinVar aggregate classification (germline): Uncertain significance (1 of 4 stars; one submission).

Conditions:
Developmental and epileptic encephalopathy, 1 (DEE1). Also called: X-linked infantile spasms; West's syndrome; Tonic spasms with clustering, arrest of psychomotor development and hypsarrhythmia on EEG; X-Linked Infantile Spasm Syndrome; OHTAHARA SYNDROME, X-LINKED; INFANTILE SPASM SYNDROME, X-LINKED 1. Identifiers: MedGen C3463992, MONDO:0010632, OMIM 308350. Disease mechanism: loss of function.
Autosomal dominant nonsyndromic hearing loss 65. Also called: Deafness, autosomal dominant 65; TBC1D24-Related Autosomal Dominant Nonsyndromic Hearing Loss (DFNA). Identifiers: Orphanet 90635, MedGen C3892048, MONDO:0014470, OMIM 616044.

gnomAD v4.1: 7 of 1,575,798 alleles (0.00044%); highest among the groups gnomAD compares: Non-Finnish European, 0.0006%; no homozygotes.

Submission:

Labcorp Genetics (formerly Invitae), Labcorp
Classification: Uncertain significance for Developmental and epileptic encephalopathy, 1; Autosomal dominant nonsyndromic hearing loss 65. Last evaluated: 2022-07-16. Review status: criteria provided, single submitter. Criteria: Invitae Variant Classification Sherloc (09022015). Collection method: clinical testing. Allele origin: germline.
Comment: This sequence change replaces serine, which is neutral and polar, with asparagine, which is neutral and polar, at codon 503 of the TBC1D24 protein (p.Ser503Asn). This variant is present in population databases (no rsID available, gnomAD 0.002%). This variant has not been reported in the literature in individuals affected with TBC1D24-related conditions. Advanced modeling of protein sequence and biophysical properties (such as structural, functional, and spatial information, amino acid conservation, physicochemical variation, residue mobility, and thermodynamic stability) performed at Invitae indicates that this missense variant is not expected to disrupt TBC1D24 protein function. In summary, the available evidence is currently insufficient to determine the role of this variant in disease. Therefore, it has been classified as a Variant of Uncertain Significance.

NM_001199107.2(TBC1D24):c.1508G>A (p.Ser503Asn)

Gene: TBC1D24 (TBC1 domain family member 24; plus strand). Cytogenetic location: 16p13.3.
Variant type: single nucleotide variant.
Coding change: c.1508G>A on transcript NM_001199107.2 (MANE Select); coding-DNA position 1508, G replaced by A.
Protein change: p.Ser503Asn; replaces serine 503 with asparagine.
Molecular consequence: missense variant.
Genome position (GRCh38, 1-based): chr16:2,500,473, G>A. VCF-style: chr16-2500473-G-A. GRCh37 (hg19) VCF-style: chr16-2550474-G-A.
Other names: c.1490G>A, p.Ser497Asn (NM_020705.3); short protein forms S497N, S503N.
Identifiers: ClinVar variation 2108872 (VCV002108872.4), dbSNP rs1329614789, ClinGen allele CA394381305.